The following is an entry in ClinVar:

ClinVar aggregate classification (germline): Uncertain significance (1 of 4 stars; one submission).

Allele frequency attached by ClinVar (database versions not stated): gnomAD exomes 0.00001; TOPMed 0.00002; gnomAD 0.00003.
gnomAD v4.1: 7 of 1,613,930 alleles (0.00043%); highest among the groups gnomAD compares: African/African-American, 0.0093%; no homozygotes.

Submission:

Labcorp Genetics (formerly Invitae), Labcorp
Classification: Uncertain significance. Last evaluated: 2022-02-08. Review status: criteria provided, single submitter. Criteria: Invitae Variant Classification Sherloc (09022015). Collection method: clinical testing. Allele origin: germline.
Comment: This sequence change replaces isoleucine, which is neutral and non-polar, with methionine, which is neutral and non-polar, at codon 1445 of the DMXL2 protein (p.Ile1445Met). This variant is present in population databases (no rsID available, gnomAD 0.007%). This variant has not been reported in the literature in individuals affected with DMXL2-related conditions. Algorithms developed to predict the effect of missense changes on protein structure and function are either unavailable or do not agree on the potential impact of this missense change (SIFT: "Deleterious"; PolyPhen-2: "Benign"; Align-GVGD: "Class C0"). In summary, the available evidence is currently insufficient to determine the role of this variant in disease. Therefore, it has been classified as a Variant of Uncertain Significance.

NM_001378457.1(DMXL2):c.4335T>G (p.Ile1445Met)

Gene: DMXL2 (Dmx like 2; minus strand). Cytogenetic location: 15q21.2.
Variant type: single nucleotide variant.
Coding change: c.4335T>G on transcript NM_001378457.1 (MANE Select); coding-DNA position 4335, T replaced by G.
Protein change: p.Ile1445Met; replaces isoleucine 1445 with methionine.
Molecular consequence: missense variant. On other transcripts: non-coding transcript variant (2), intron variant (2).
Genome position (GRCh38, 1-based): chr15:51,498,889, A>C on the plus strand (T>G on the coding strand, the complement: DMXL2 is on the minus strand). VCF-style: chr15-51498889-A-C. GRCh37 (hg19) VCF-style: chr15-51791086-A-C.
Other names: c.4335T>G, p.Ile1445Met (NM_001174116.3, NM_001378458.1, NM_001378459.1 and 4 more transcripts); c.4095T>G, p.Ile1365Met (NM_001378464.1); c.2765-7142T>G (NM_001378460.1); c.2765-3755T>G (NM_001174117.3); short protein forms I1365M, I1445M.
Identifiers: ClinVar variation 2094975 (VCV002094975.1), dbSNP rs1256359643, ClinGen allele CA392432153.
Genomic context (GRCh38, chr15:51,498,889, plus strand): 5'-CTCTGGTTGACTTACTGTCTGATCTTCATAGCTCTGTGGTATCTTTGTACTTTCTTCTGA[A>C]ATTCTGTAGGATGTATCTTGATCTGCAGCAAGTAATGCATATAGTGGTAGTGGAGGGATA-3'
Protein context (NP_001365386.1, residues 1435-1455): LAADQDTSYR[Ile1445Met]SEESTKIPQS